The following is an entry in ClinVar:

NM_006440.5(TXNRD2):c.529-8C>T

Gene: TXNRD2 (thioredoxin reductase 2; minus strand). Cytogenetic location: 22q11.21.
Variant type: single nucleotide variant.
Coding change: c.529-8C>T on transcript NM_006440.5 (MANE Select); 8 bases into the intron before coding-DNA position 529, C replaced by T.
Molecular consequence: intron variant.
Genome position (GRCh38, 1-based): chr22:19,915,284, G>A on the plus strand (C>T on the coding strand, the complement: TXNRD2 is on the minus strand). VCF-style: chr22-19915284-G-A. GRCh37 (hg19) VCF-style: chr22-19902807-G-A.
Other names: c.526-8C>T (NM_001352300.2); c.241-8C>T (NM_001352302.2); c.439-8C>T (NM_001352301.2); c.529-8C>T (NM_001282512.3); c.433-8C>T (NM_001352303.2).
Identifiers: ClinVar variation 507385 (VCV000507385.3), dbSNP rs754998172, ClinGen allele CA10104140.

ClinVar aggregate classification (germline): Likely benign. Review status: criteria provided, multiple submitters, no conflicts (2 of 4 stars). 2 submissions from 2 submitters: Likely benign (2). Last evaluated 2024-08-28.

Conditions:
Primary dilated cardiomyopathy (DCM). Also called: Dilated Cardiomyopathy. Identifiers: Orphanet 217604, MedGen C0007193, MeSH D002311, MONDO:0005021, HP:0001644. Inheritance: Various modes of inheritance.

Allele frequency attached by ClinVar (database versions not stated): TOPMed 0.00001.
gnomAD v4.1: 10 of 1,612,832 alleles (0.00062%); highest among the groups gnomAD compares: Admixed American, 0.01%; no homozygotes.

Submissions (2):

Labcorp Genetics (formerly Invitae), Labcorp
Classification: Likely benign for Primary dilated cardiomyopathy. Last evaluated: 2024-08-28. Review status: criteria provided, single submitter. Criteria: Invitae Variant Classification Sherloc (09022015). Collection method: clinical testing. Allele origin: germline.

GeneDx
Classification: Likely benign. Last evaluated: 2017-02-10. Review status: criteria provided, single submitter. Criteria: GeneDx Variant Classification (06012015). Collection method: clinical testing. Allele origin: germline. Affected: yes.
Comment: This variant is considered likely benign or benign based on one or more of the following criteria: it is a conservative change, it occurs at a poorly conserved position in the protein, it is predicted to be benign by multiple in silico algorithms, and/or has population frequency not consistent with disease.